The following is an entry in ClinVar:

NM_021830.5(TWNK):c.1314C>G (p.Asn438Lys)

Gene: TWNK (twinkle mtDNA helicase; plus strand). Cytogenetic location: 10q24.31.
Variant type: single nucleotide variant.
Coding change: c.1314C>G on transcript NM_021830.5 (MANE Select); coding-DNA position 1314, C replaced by G.
Protein change: p.Asn438Lys; replaces asparagine 438 with lysine.
Molecular consequence: missense variant. On other transcripts: 5 prime UTR variant (3), non-coding transcript variant (5).
Genome position (GRCh38, 1-based): chr10:100,989,714, C>G. VCF-style: chr10-100989714-C-G. GRCh37 (hg19) VCF-style: chr10-102749471-C-G.
Other names: c.1314C>G, p.Asn438Lys (NM_001163812.2); c.-49C>G (NM_001163813.2, NM_001163814.2, NM_001368275.1); short protein forms N438K.
Identifiers: ClinVar variation 694434 (VCV000694434.1), dbSNP rs1366090807, ClinGen allele CA378210505.

ClinVar aggregate classification (germline): Likely pathogenic (1 of 4 stars; one submission).

Conditions:
Infantile onset spinocerebellar ataxia (MTDPS7). Also called: OHAHA SYNDROME; SPINOCEREBELLAR ATAXIA, INFANTILE, WITH SENSORY NEUROPATHY; Mitochondrial DNA depletion syndrome 7 (hepatocerebral type); OPHTHALMOPLEGIA, HYPOTONIA, ATAXIA, HYPOACUSIS, AND ATHETOSIS. Identifiers: Orphanet 1186, MedGen C1849096, MONDO:0010060, OMIM 271245.

Submission:

Laboratory of Inherited Metabolic Diseases, Research centre for medical genetics
Classification: Likely pathogenic for Infantile onset spinocerebellar ataxia. Last evaluated: 2019-07-17. Review status: criteria provided, single submitter. Criteria: ACMG Guidelines, 2015. Collection method: clinical testing. Allele origin: germline. Inheritance: Autosomal recessive inheritance. Affected: yes.
Comment: found in compound with c.1199G>T (p.R400L)